The following is an entry in ClinVar:

ClinVar aggregate classification (germline): Uncertain significance (1 of 4 stars; one submission).

Allele frequency attached by ClinVar (database versions not stated): TOPMed below 0.00001; ExAC 0.00001; gnomAD exomes below 0.00001.
gnomAD v4.1: 2 of 1,613,242 alleles (0.00012%); highest among the groups gnomAD compares: Admixed American, 0.0017%; no homozygotes.

Submission:

Labcorp Genetics (formerly Invitae), Labcorp
Classification: Uncertain significance. Last evaluated: 2022-05-27. Review status: criteria provided, single submitter. Criteria: Invitae Variant Classification Sherloc (09022015). Collection method: clinical testing. Allele origin: germline.
Comment: This sequence change replaces arginine, which is basic and polar, with histidine, which is basic and polar, at codon 412 of the SLC18A3 protein (p.Arg412His). The frequency data for this variant in the population databases is considered unreliable, as metrics indicate poor data quality at this position in the gnomAD database. This variant has not been reported in the literature in individuals affected with SLC18A3-related conditions. Algorithms developed to predict the effect of missense changes on protein structure and function (SIFT, PolyPhen-2, Align-GVGD) all suggest that this variant is likely to be disruptive. In summary, the available evidence is currently insufficient to determine the role of this variant in disease. Therefore, it has been classified as a Variant of Uncertain Significance.

NM_003055.3(SLC18A3):c.1235G>A (p.Arg412His)

Genes: CHAT (choline O-acetyltransferase; plus strand), SLC18A3 (solute carrier family 18 member A3; plus strand). Cytogenetic location: 10q11.23.
Variant type: single nucleotide variant.
Coding change: c.1235G>A on transcript NM_003055.3 (MANE Select); coding-DNA position 1235, G replaced by A.
Protein change: p.Arg412His; replaces arginine 412 with histidine.
Molecular consequence: missense variant. On other transcripts: intron variant (1).
Genome position (GRCh38, 1-based): chr10:49,611,975, G>A. VCF-style: chr10-49611975-G-A. GRCh37 (hg19) VCF-style: chr10-50820021-G-A.
Other names: c.-69+2776G>A (NM_020984.4); short protein forms R412H.
Identifiers: ClinVar variation 1503968 (VCV001503968.6), dbSNP rs766544544, ClinGen allele CA5496925.